The following is an entry in ClinVar:

ClinVar aggregate classification (germline): Uncertain significance (1 of 4 stars; one submission).

Submission:

Ambry Genetics
Classification: Uncertain significance. Last evaluated: 2026-06-18. Review status: criteria provided, single submitter. Criteria: Ambry Variant Classification Scheme 2023. Collection method: clinical testing. Allele origin: germline.
Comment: The p.Y770H variant (also known as c.2308T>C), located in coding exon 15 of the RINT1 gene, results from a T to C substitution at nucleotide position 2308. The tyrosine at codon 770 is replaced by histidine, an amino acid with similar properties. This amino acid position is conserved. In addition, the in silico prediction for this alteration is inconclusive. Based on the available evidence, the clinical significance of this variant remains unclear.

NM_021930.6(RINT1):c.2308T>C (p.Tyr770His)

Genes: EFCAB10 (EF-hand calcium binding domain 10; minus strand), RINT1 (RAD50 interactor 1; plus strand). Cytogenetic location: 7q22.3.
Variant type: single nucleotide variant.
Coding change: c.2308T>C on transcript NM_021930.6 (MANE Select); coding-DNA position 2308, T replaced by C.
Protein change: p.Tyr770His; replaces tyrosine 770 with histidine.
Molecular consequence: missense variant. On other transcripts: 3 prime UTR variant (2), non-coding transcript variant (1), intron variant (3).
Genome position (GRCh38, 1-based): chr7:105,567,240, T>C. VCF-style: chr7-105567240-T-C. GRCh37 (hg19) VCF-style: chr7-105207687-T-C.
Other names: c.*214A>G (NM_001355527.2, NM_001355529.2); c.2074T>C, p.Tyr692His (NM_001346599.2); c.1285T>C, p.Tyr429His (NM_001346600.2, NM_001346603.2); c.1384T>C, p.Tyr462His (NM_001346601.2); c.360-1793A>G (NM_001355531.2); c.383+227A>G (NM_001355526.2, NM_001355530.2); short protein forms Y462H, Y770H, Y429H, Y692H.
Identifiers: ClinVar variation 5028262 (VCV005028262.1).